The following is an entry in ClinVar:

NM_021625.5(TRPV4):c.1907T>A (p.Leu636Gln)

Gene: TRPV4 (transient receptor potential cation channel subfamily V member 4; minus strand). Cytogenetic location: 12q24.11.
Variant type: single nucleotide variant.
Coding change: c.1907T>A on transcript NM_021625.5 (MANE Select); coding-DNA position 1907, T replaced by A.
Protein change: p.Leu636Gln; replaces leucine 636 with glutamine.
Molecular consequence: missense variant.
Genome position (GRCh38, 1-based): chr12:109,788,701, A>T on the plus strand (T>A on the coding strand, the complement: TRPV4 is on the minus strand). VCF-style: chr12-109788701-A-T. GRCh37 (hg19) VCF-style: chr12-110226506-A-T.
Other names: c.1766T>A, p.Leu589Gln (NM_001177428.2); c.1805T>A, p.Leu602Gln (NM_001177431.2); c.1586T>A, p.Leu529Gln (NM_001177433.2); c.1727T>A, p.Leu576Gln (NM_147204.3); short protein forms L529Q, L576Q, L636Q, L589Q, L602Q.
Identifiers: ClinVar variation 3689284 (VCV003689284.2).
Genomic context (GRCh38, chr12:109,788,701, plus strand): 5'-GTGGGCACTGTGCAGTTGGTCTGGTCCTCATTGCACACCTTCATGTTGGCACACGGGTTC[A>T]GGAGGGAGACCAGGGCTGTGGGAGGATAGGGGTGGCACTCACTGAGTGTGAGCACACCCA-3'
Protein context (NP_067638.3, residues 626-646): IGYASALVSL[Leu636Gln]NPCANMKVCN

ClinVar aggregate classification (germline): Uncertain significance (1 of 4 stars; one submission).

Conditions:
Charcot-Marie-Tooth disease axonal type 2C (HMSN2C). Also called: CHARCOT-MARIE-TOOTH DISEASE, AXONAL, AUTOSOMAL DOMINANT, TYPE 2C; Charcot-Marie-Tooth Neuropathy Type 2C; Charcot-Marie-Tooth Disease Type 2, TRPV4-Related (CMT2C). Identifiers: Orphanet 99937, MedGen C1853710, MONDO:0011633, OMIM 606071.

Submission:

Labcorp Genetics (formerly Invitae), Labcorp
Classification: Uncertain significance for Charcot-Marie-Tooth disease axonal type 2C. Last evaluated: 2024-10-09. Review status: criteria provided, single submitter. Criteria: Invitae Variant Classification Sherloc (09022015). Collection method: clinical testing. Allele origin: germline.
Comment: This sequence change replaces leucine, which is neutral and non-polar, with glutamine, which is neutral and polar, at codon 636 of the TRPV4 protein (p.Leu636Gln). This variant is not present in population databases (gnomAD no frequency). This variant has not been reported in the literature in individuals affected with TRPV4-related conditions. Invitae Evidence Modeling of protein sequence and biophysical properties (such as structural, functional, and spatial information, amino acid conservation, physicochemical variation, residue mobility, and thermodynamic stability) has been performed for this missense variant. However, the output from this modeling did not meet the statistical confidence thresholds required to predict the impact of this variant on TRPV4 protein function. Algorithms developed to predict the effect of sequence changes on RNA splicing suggest that this variant may create or strengthen a splice site. In summary, the available evidence is currently insufficient to determine the role of this variant in disease. Therefore, it has been classified as a Variant of Uncertain Significance.